The following is an entry in ClinVar:

NM_000535.7(PMS2):c.1772G>A (p.Cys591Tyr)

Gene: PMS2 (PMS1 homolog 2, mismatch repair system component; minus strand). Cytogenetic location: 7p22.1.
Variant type: single nucleotide variant.
Coding change: c.1772G>A on transcript NM_000535.7 (MANE Select); coding-DNA position 1772, G replaced by A.
Protein change: p.Cys591Tyr; replaces cysteine 591 with tyrosine.
Molecular consequence: missense variant. On other transcripts: non-coding transcript variant (1), intron variant (1).
Genome position (GRCh38, 1-based): chr7:5,986,993, C>T on the plus strand (G>A on the coding strand, the complement: PMS2 is on the minus strand). VCF-style: chr7-5986993-C-T. GRCh37 (hg19) VCF-style: chr7-6026624-C-T.
Other names: c.1367G>A, p.Cys456Tyr (NM_001322003.2, NM_001322004.2, NM_001322005.2 and 16 more transcripts); c.1616G>A, p.Cys539Tyr (NM_001322006.2, NM_001406870.1); c.1454G>A, p.Cys485Tyr (NM_001322007.2, NM_001322008.2, NM_001406876.1 and 2 more transcripts); c.1211G>A, p.Cys404Tyr (NM_001322010.2, NM_001406906.1, NM_001406907.1); c.839G>A, p.Cys280Tyr (NM_001322011.2, NM_001322012.2); c.1199G>A, p.Cys400Tyr (NM_001322013.2, NM_001406909.1); c.1772G>A, p.Cys591Tyr (NM_001322014.2, NM_001406871.1, NM_001406872.1); c.1463G>A, p.Cys488Tyr (NM_001322015.2, NM_001406875.1, NM_001406877.1 and 5 more transcripts); and 13 more; short protein forms C280Y, C334Y, C400Y, C404Y, C420Y, C433Y, C436Y, C456Y.
Identifiers: ClinVar variation 3387509 (VCV003387509.1).
Genomic context (GRCh38, chr7:5,986,993, plus strand): 5'-ATTTTCACAGCTACATCAACCTGAGAGGCTGACATGTCCTGAGTATTTACTAACTTTTGA[C>T]AAATGTCAGAACTGGAAAGAATTTCTTCTTTTTTAAAACGCTTTGTGTTTGGGGTTGCGA-3'
Protein context (NP_000526.2, residues 581-601): KEEILSSSDI[Cys591Tyr]QKLVNTQDMS

ClinVar aggregate classification (germline): Uncertain significance (1 of 4 stars; one submission).

Conditions:
Lynch syndrome. Identifiers: Orphanet 144, MedGen C4552100, MONDO:0005835. Disease mechanism: loss of function.

Submission:

All of Us Research Program, National Institutes of Health
Classification: Uncertain significance for Lynch syndrome. Last evaluated: 2024-05-14. Review status: criteria provided, single submitter. Criteria: ACMG Guidelines, 2015. Collection method: clinical testing. Allele origin: germline. Inheritance: Autosomal dominant inheritance. Observed: 1 variant allele, 1 heterozygote.
Comment: This missense variant replaces cysteine with tyrosine at codon 591 of the PMS2 protein. Computational prediction suggests that this variant may not impact protein structure and function (internally defined REVEL score threshold <= 0.5, PMID: 27666373). To our knowledge, functional studies have not been reported for this variant. This variant has not been reported in individuals affected with PMS2-related disorders in the literature. This variant has not been identified in the general population by the Genome Aggregation Database (gnomAD). The available evidence is insufficient to determine the role of this variant in disease conclusively. Therefore, this variant is classified as a Variant of Uncertain Significance.

This study involves interpretation of variants in research participants for the purpose of population health screening. Participant phenotype was not available at the time of variant classification. Additional details can be found in publication PMID: 35346344, PMCID: PMC8962531